The following is an entry in ClinVar:

ClinVar aggregate classification (germline): Uncertain significance (1 of 4 stars; one submission).

Submission:

GeneDx
Classification: Uncertain significance. Last evaluated: 2024-09-12. Review status: criteria provided, single submitter. Criteria: GeneDx Variant Classification Process June 2021. Collection method: clinical testing. Allele origin: germline.
Comment: Not observed at significant frequency in large population cohorts (gnomAD); In silico analysis supports that this missense variant has a deleterious effect on protein structure/function; Has not been previously published as pathogenic or benign to our knowledge

NM_139137.4(KCNC2):c.322C>T (p.Pro108Ser)

Gene: KCNC2 (potassium voltage-gated channel subfamily C member 2; minus strand). Cytogenetic location: 12q21.1.
Variant type: single nucleotide variant.
Coding change: c.322C>T on transcript NM_139137.4 (MANE Select); coding-DNA position 322, C replaced by T.
Protein change: p.Pro108Ser; replaces proline 108 with serine.
Molecular consequence: missense variant. On other transcripts: non-coding transcript variant (2).
Genome position (GRCh38, 1-based): chr12:75,207,662, G>A on the plus strand (C>T on the coding strand, the complement: KCNC2 is on the minus strand). VCF-style: chr12-75207662-G-A. GRCh37 (hg19) VCF-style: chr12-75601442-G-A.
Other names: c.322C>T, p.Pro108Ser (NM_001260497.2, NM_001260498.2, NM_001260499.2 and 13 more transcripts); short protein forms P108S.
Identifiers: ClinVar variation 2504975 (VCV002504975.2), dbSNP rs2548168935, ClinGen allele CA385786161.